The following is an entry in ClinVar:

NM_138615.3(DHX30):c.1123G>C (p.Glu375Gln)

Gene: DHX30 (DExH-box helicase 30; plus strand). Cytogenetic location: 3p21.31.
Variant type: single nucleotide variant.
Coding change: c.1123G>C on transcript NM_138615.3 (MANE Select); coding-DNA position 1123, G replaced by C.
Protein change: p.Glu375Gln; replaces glutamic acid 375 with glutamine.
Molecular consequence: missense variant.
Genome position (GRCh38, 1-based): chr3:47,846,195, G>C. VCF-style: chr3-47846195-G-C. GRCh37 (hg19) VCF-style: chr3-47887685-G-C.
Other names: c.1039G>C, p.Glu347Gln (NM_001330990.2); c.1006G>C, p.Glu336Gln (NM_014966.4); short protein forms E336Q, E347Q, E375Q.
Identifiers: ClinVar variation 3390476 (VCV003390476.1).

ClinVar aggregate classification (germline): Uncertain significance (1 of 4 stars; one submission).

Submission:

GeneDx
Classification: Uncertain significance. Last evaluated: 2024-06-12. Review status: criteria provided, single submitter. Criteria: GeneDx Variant Classification Process June 2021. Collection method: clinical testing. Allele origin: germline. Affected: yes.
Comment: Not observed at significant frequency in large population cohorts (gnomAD); In silico analysis indicates that this missense variant does not alter protein structure/function; Has not been previously published as pathogenic or benign to our knowledge